The following is an entry in ClinVar:

NM_130384.3(ATRIP):c.246C>T (p.Ser82=)

Genes: ATRIP (ATR interacting protein; plus strand), ATRIP-TREX1 (ATRIP-TREX1 readthrough; plus strand). Cytogenetic location: 3p21.31.
Variant type: single nucleotide variant.
Coding change: c.246C>T on transcript NM_130384.3 (MANE Select); coding-DNA position 246, C replaced by T.
Protein change: p.Ser82=; no amino-acid change (serine 82 retained).
Molecular consequence: synonymous variant. On other transcripts: intron variant (1), non-coding transcript variant (1).
Genome position (GRCh38, 1-based): chr3:48,447,091, C>T. VCF-style: chr3-48447091-C-T. GRCh37 (hg19) VCF-style: chr3-48488495-C-T.
Other names: c.-218+292C>T (NM_001271022.2); c.246C>T, p.Ser82= (NM_032166.4); c.246C>T (NM_130384.1).
Identifiers: ClinVar variation 1916701 (VCV001916701.6), dbSNP rs1159319927, ClinGen allele CA433537420.

ClinVar aggregate classification (germline): Conflicting classifications of pathogenicity. Review status: criteria provided, conflicting classifications (1 of 4 stars). 2 submissions from 2 submitters: Uncertain significance (1); Likely benign (1). Last evaluated 2025-01-06.

Allele frequency attached by ClinVar (database versions not stated): gnomAD 0.00001; TOPMed 0.00001.
gnomAD v4.1: 1 of 1,531,874 alleles (0.000065%); highest among the groups gnomAD compares: Non-Finnish European, 0.000088%; no homozygotes.

Submissions (2):

Ambry Genetics
Classification: Likely benign. Last evaluated: 2025-01-06. Review status: criteria provided, single submitter. Criteria: Ambry Variant Classification Scheme 2023. Collection method: clinical testing. Allele origin: germline.

Labcorp Genetics (formerly Invitae), Labcorp
Classification: Uncertain significance. Last evaluated: 2024-09-19. Review status: criteria provided, single submitter. Criteria: Invitae Variant Classification Sherloc (09022015). Collection method: clinical testing. Allele origin: germline.
Comment: This sequence change affects codon 82 of the ATRIP mRNA. It is a 'silent' change, meaning that it does not change the encoded amino acid sequence of the ATRIP protein. It affects a nucleotide within the consensus splice site. This variant is present in population databases (no rsID available, gnomAD no frequency). This variant has not been reported in the literature in individuals affected with ATRIP-related conditions. ClinVar contains an entry for this variant (Variation ID: 1916701). Algorithms developed to predict the effect of sequence changes on RNA splicing suggest that this variant is not likely to affect RNA splicing. In summary, the available evidence is currently insufficient to determine the role of this variant in disease. Therefore, it has been classified as a Variant of Uncertain Significance.